The following is an entry in ClinVar:

NM_001034116.2(EIF2B4):c.1400G>A (p.Arg467Gln)

Genes: EIF2B4 (eukaryotic translation initiation factor 2B subunit delta; minus strand), GTF3C2-AS2 (GTF3C2 antisense RNA 2; plus strand). Cytogenetic location: 2p23.3.
Variant type: single nucleotide variant.
Coding change: c.1400G>A on transcript NM_001034116.2 (MANE Select); coding-DNA position 1400, G replaced by A.
Protein change: p.Arg467Gln; replaces arginine 467 with glutamine.
Molecular consequence: missense variant.
Genome position (GRCh38, 1-based): chr2:27,364,572, C>T on the plus strand (G>A on the coding strand, the complement: EIF2B4 is on the minus strand). VCF-style: chr2-27364572-C-T. GRCh37 (hg19) VCF-style: chr2-27587439-C-T.
Other names: c.1463G>A, p.Arg488Gln (NM_001318965.2); c.1355G>A, p.Arg452Gln (NM_001318966.2); c.1307G>A, p.Arg436Gln (NM_001318967.2); c.815G>A, p.Arg272Gln (NM_001318968.2); c.782G>A, p.Arg261Gln (NM_001318969.2); c.1397G>A, p.Arg466Gln (NM_015636.4); c.1460G>A, p.Arg487Gln (NM_172195.4); short protein forms R452Q, R488Q, R261Q, R436Q, R466Q, R487Q, R272Q, R467Q.
Identifiers: ClinVar variation 896911 (VCV000896911.8), dbSNP rs751555693, ClinGen allele CA1576578.
Genomic context (GRCh38, chr2:27,364,572, plus strand): 5'-AGATTCAACAACCGTAGGGATGCGTGGTTCTGCCAGTTAGCCAGCGCAACATGTTCTCCC[C>T]GCTTACATTGCAGATCATCAGGGTCATCTGCAATGGAAGGCGTACCCATTATGTTCTTTC-3'
Protein context (NP_001029288.1, residues 457-477): LDDPDDLQCK[Arg467Gln]GEHVALANWQ

ClinVar aggregate classification (germline): Conflicting classifications of pathogenicity. Review status: criteria provided, conflicting classifications (1 of 4 stars). 4 submissions from 4 submitters: Uncertain significance (3); Likely benign (1). Last evaluated 2023-09-28.

Conditions:
Vanishing white matter disease. Also called: CACH syndrome; Childhood ataxia with diffuse central nervous system hypomyelination; Leukoencephalopathy with vanishing white matter; CACH/VWM syndrome; Cree leukoencehalopathy. Identifiers: Orphanet 135, Orphanet 99853, MedGen C1858991, MONDO:0800448.

Allele frequency attached by ClinVar (database versions not stated): gnomAD 0.00002; TOPMed 0.00003; ExAC 0.00009.
gnomAD v4.1: 34 of 1,614,072 alleles (0.0021%); highest among the groups gnomAD compares: East Asian, 0.033%; no homozygotes.

Submissions (4):

Blueprint Genetics
Classification: Uncertain significance. Last evaluated: 2023-09-28. Review status: criteria provided, single submitter. Criteria: ACMG Guidelines, 2015. Collection method: clinical testing. Allele origin: germline.

Women's Health and Genetics/Laboratory Corporation of America, LabCorp
Classification: Likely benign. Last evaluated: 2023-07-26. Review status: criteria provided, single submitter. Criteria: LabCorp Variant Classification Summary - May 2015. Collection method: clinical testing. Allele origin: germline.
Comment: Variant summary: EIF2B4 c.1397G>A (p.Arg466Gln) results in a conservative amino acid change in the encoded protein sequence. Three of five in-silico tools predict a benign effect of the variant on protein function. The variant allele was found at a frequency of 8e-05 in 251468 control chromosomes, predominantly at a frequency of 0.00071 within the East Asian subpopulation in the gnomAD database. The observed variant frequency within East Asian control individuals in the gnomAD database is approximately 2.4 fold of the estimated maximal expected allele frequency for a pathogenic variant in EIF2B4 causing Leukoencephalopathy With Vanishing White Matter phenotype (0.0003), strongly suggesting that the variant is a benign polymorphism found primarily in populations of East Asian origin. c.1397G>A has been reported in the literature in at least one heterozygous individual affected with primary ovarian insufficiency, a clinical feature of EIF2B4-related conditions (e.g., Liu_2020). However, this report does not provide unequivocal conclusions about association of the variant with Leukoencephalopathy With Vanishing White Matter. To our knowledge, no experimental evidence demonstrating an impact on protein function has been reported. The following publication has been ascertained in the context of this evaluation (PMID: 32962729). Two submitters have cited clinical-significance assessments for this variant to ClinVar after 2014. Both submitters classified the variant as uncertain significance. Based on the evidence outlined above, the variant was classified as likely benign.

Labcorp Genetics (formerly Invitae), Labcorp
Classification: Uncertain significance. Last evaluated: 2022-08-09. Review status: criteria provided, single submitter. Criteria: Invitae Variant Classification Sherloc (09022015). Collection method: clinical testing. Allele origin: germline.
Comment: This sequence change replaces arginine, which is basic and polar, with glutamine, which is neutral and polar, at codon 466 of the EIF2B4 protein (p.Arg466Gln). This variant is present in population databases (rs751555693, gnomAD 0.07%). This variant has not been reported in the literature in individuals affected with EIF2B4-related conditions. ClinVar contains an entry for this variant (Variation ID: 896911). Algorithms developed to predict the effect of missense changes on protein structure and function output the following: SIFT: "Deleterious"; PolyPhen-2: "Benign"; Align-GVGD: "Class C0". The glutamine amino acid residue is found in multiple mammalian species, which suggests that this missense change does not adversely affect protein function. Algorithms developed to predict the effect of sequence changes on RNA splicing suggest that this variant may create or strengthen a splice site. This variant disrupts the p.Arg466 amino acid residue in EIF2B4. Other variant(s) that disrupt this residue have been determined to be pathogenic (PMID: 18263758, 32180488; Invitae). This suggests that this residue is clinically significant, and that variants that disrupt this residue are likely to be disease-causing. In summary, the available evidence is currently insufficient to determine the role of this variant in disease. Therefore, it has been classified as a Variant of Uncertain Significance.

Illumina Laboratory Services, Illumina
Classification: Uncertain significance for Leukoencephalopathy with vanishing white matter 1. Last evaluated: 2018-01-15. Review status: criteria provided, single submitter. Criteria: ICSL Variant Classification Criteria 13 December 2019. Collection method: clinical testing. Allele origin: germline.

Literature cited by the submitters: PubMed 32962729 (cited by Women's Health and Genetics/Laboratory Corporation of America, LabCorp); PubMed 18263758 (cited by Labcorp Genetics (formerly Invitae), Labcorp); PubMed 32180488 (cited by Labcorp Genetics (formerly Invitae), Labcorp).